The following is an entry in ClinVar:

NM_001267550.2(TTN):c.82603_82615del (p.Thr27535fs)

Genes: TTN (titin; minus strand), TTN-AS1 (TTN antisense RNA 1; plus strand). Cytogenetic location: 2q31.2.
Variant type: Deletion.
Coding change: c.82603_82615del on transcript NM_001267550.2 (MANE Select); coding-DNA positions 82603 to 82615, 13 bases deleted (ACCGAAGGCCATT).
Protein change: p.Thr27535fs; shifts the reading frame from threonine 27535.
Molecular consequence: frameshift variant.
Genome position (GRCh38, 1-based): chr2:178,563,517-178,563,529, AATGGCCTTCGGT deleted on the plus strand (ACCGAAGGCCATT on the coding strand, the reverse complement: TTN is on the minus strand); deleting any 13 consecutive bases within chr2:178,563,517-178,563,531 gives the same sequence; the c. name uses the placement nearest the transcript's 3' end. VCF-style (leftmost placement, unchanged base first): chr2-178563516-GAATGGCCTTCGGT-G. GRCh37 (hg19) VCF-style: chr2-179428243-GAATGGCCTTCGGT-G.
Other names: c.77680_77692del, p.Thr25894fs (NM_001256850.1); c.55408_55420del, p.Thr18470fs (NM_003319.4); c.74899_74911del, p.Thr24967fs (NM_133378.4); c.55783_55795del, p.Thr18595fs (NM_133432.3); c.55984_55996del, p.Thr18662fs (NM_133437.4); short protein forms T18470fs, T18595fs, T18662fs, T24967fs, T25894fs, T27535fs.
Identifiers: ClinVar variation 3760275 (VCV003760275.2).

ClinVar aggregate classification (germline): Likely pathogenic (1 of 4 stars; one submission).

Conditions:
Dilated cardiomyopathy 1G (CMD1G). Identifiers: Orphanet 154, MedGen C1858763, MONDO:0011400, OMIM 604145.
Autosomal recessive limb-girdle muscular dystrophy type 2J (LGMDR10). Also called: Limb-girdle muscular dystrophy, type 2J; MUSCULAR DYSTROPHY, LIMB-GIRDLE, AUTOSOMAL RECESSIVE 10. Identifiers: Orphanet 140922, MedGen C1837342, MONDO:0012127, OMIM 608807.

Submission:

Labcorp Genetics (formerly Invitae), Labcorp
Classification: Likely pathogenic for Dilated cardiomyopathy 1G; Autosomal recessive limb-girdle muscular dystrophy type 2J. Last evaluated: 2025-01-08. Review status: criteria provided, single submitter. Criteria: Invitae Variant Classification Sherloc (09022015). Collection method: clinical testing. Allele origin: germline.
Comment: This sequence change creates a premature translational stop signal (p.Thr27535Profs*41) in the TTN gene. While this is not anticipated to result in nonsense mediated decay, it is expected to create a truncated TTN protein. This variant is not present in population databases (gnomAD no frequency). This variant has not been reported in the literature in individuals affected with TTN-related conditions. This variant is located in the A band of TTN (PMID: 25589632). Truncating variants in this region are significantly overrepresented in patients affected with dilated cardiomyopathy (PMID: 25589632). Truncating variants in this region have also been reported in individuals affected with autosomal recessive centronuclear myopathy (PMID: 23975875). In summary, the currently available evidence indicates that the variant is pathogenic, but additional data are needed to prove that conclusively. Therefore, this variant has been classified as Likely Pathogenic.

Literature cited by the submitters: PubMed 25589632; PubMed 23975875.